The following is an entry in ClinVar:

NM_001276270.2(MBD4):c.1616del (p.Tyr539fs)

Gene: MBD4 (methyl-CpG binding domain 4, DNA glycosylase; minus strand). Cytogenetic location: 3q21.3.
Variant type: Deletion.
Coding change: c.1616del on transcript NM_001276270.2 (MANE Select); coding-DNA position 1616, one base deleted (A; older notation c.1616delA).
Protein change: p.Tyr539fs; shifts the reading frame from tyrosine 539.
Molecular consequence: frameshift variant. On other transcripts: intron variant (1).
Genome position (GRCh38, 1-based): chr3:129,432,534, T deleted on the plus strand (A on the coding strand, the reverse complement: MBD4 is on the minus strand). VCF-style (leftmost placement, unchanged base first): chr3-129432533-GT-G. GRCh37 (hg19) VCF-style: chr3-129151376-GT-G.
Other names: c.1616delA (NM_001276270.2); c.1634del, p.Tyr545fs (NM_001276271.2, NM_003925.3); c.680del, p.Tyr227fs (NM_001276273.2); c.1612+22del (NM_001276272.2); short protein forms Y227fs, Y539fs, Y545fs.
Identifiers: ClinVar variation 4825702 (VCV004825702.1).

ClinVar aggregate classification (germline): Likely pathogenic (1 of 4 stars; one submission).

Conditions:
Inborn genetic diseases. Identifiers: MedGen C0950123, MeSH D030342.

Submission:

Ambry Genetics
Classification: Likely pathogenic for Inborn genetic diseases. Last evaluated: 2026-02-16. Review status: criteria provided, single submitter. Criteria: Ambry Variant Classification Scheme 2023. Collection method: clinical testing. Allele origin: germline.
Comment: The c.1616delA variant, located in coding exon 7 of the MBD4 gene, results from a deletion of one nucleotide at nucleotide position 1616, causing a translational frameshift with a predicted alternate stop codon (p.Y539Sfs*19). This variant occurs at the 3' terminus of the gene, is not expected to trigger nonsense-mediated mRNA decay, and impacts the last 6.4% of the protein. However, premature stop codons are typically deleterious in nature, the impacted region is critical for protein function (Ambry internal data), and a significant portion of the protein is affected (Ambry internal data). Based on the majority of available evidence to date, this variant is likely to be pathogenic.